The following is an entry in ClinVar:

ClinVar aggregate classification (germline): Likely benign. Review status: criteria provided, multiple submitters, no conflicts (2 of 4 stars). 3 submissions from 3 submitters: Likely benign (2). 1 of the submissions does not count toward it. Last evaluated 2019-12-31.

Conditions:
ETV3L-related disorder. Also called: ETV3L-related condition.

Allele frequency attached by ClinVar (database versions not stated): gnomAD exomes 0.00029; ExAC 0.00030; 1000 Genomes Project 0.00080; 1000 Genomes Project 30x 0.00094; gnomAD 0.00104; TOPMed 0.00107; ESP Exome Variant Server 0.00131.
gnomAD v4.1: 325 of 1,612,056 alleles (0.02%); highest among the groups gnomAD compares: African/African-American, 0.34%; 1 homozygote.

Submissions (3):

Labcorp Genetics (formerly Invitae), Labcorp
Classification: Likely benign. Last evaluated: 2019-12-31. Review status: criteria provided, single submitter. Criteria: Invitae Variant Classification Sherloc (09022015). Collection method: clinical testing. Allele origin: germline.

Breakthrough Genomics
Classification: Likely benign. Review status: criteria provided, single submitter. Criteria: ACMG Guidelines, 2015. Collection method: not provided. Allele origin: germline. Inheritance: Unknown mechanism. Affected: yes.

PreventionGenetics, part of Exact Sciences
Classification: Likely benign for ETV3L-related condition. Last evaluated: 2022-04-04. Review status: no assertion criteria provided. Collection method: clinical testing. Allele origin: germline. Not counted in ClinVar's aggregate classification.
Comment: This variant is classified as likely benign based on ACMG/AMP sequence variant interpretation guidelines (Richards et al. 2015 PMID: 25741868, with internal and published modifications).

NM_001004341.2(ETV3L):c.607C>T (p.Arg203Ter)

Gene: ETV3L (ETS variant transcription factor 3 like; minus strand). Cytogenetic location: 1q23.1.
Variant type: single nucleotide variant.
Coding change: c.607C>T on transcript NM_001004341.2 (MANE Select); coding-DNA position 607, C replaced by T.
Protein change: p.Arg203Ter; replaces arginine 203 with a stop codon.
Molecular consequence: nonsense.
Genome position (GRCh38, 1-based): chr1:157,097,868, G>A on the plus strand (C>T on the coding strand, the complement: ETV3L is on the minus strand). VCF-style: chr1-157097868-G-A. GRCh37 (hg19) VCF-style: chr1-157067660-G-A.
Other names: short protein forms R203*.
Identifiers: ClinVar variation 734580 (VCV000734580.7), dbSNP rs61736987, ClinGen allele CA1173092.
Genomic context (GRCh38, chr1:157,097,868, plus strand): 5'-GGAGGGCCCTCCCTCCTCTGGCTAAGATCCCCCTGGGCCCTCCCAGCCTTGAGCACTCAC[G>A]GTAGACGCTGCTGCTGCTCCCCTTCTTATCCCCAGAGGTCTCTGGTGGCCCTCGGGGGGT-3'